The following is an entry in ClinVar:

ClinVar aggregate classification (germline): Conflicting classifications of pathogenicity. Review status: criteria provided, conflicting classifications (1 of 4 stars). 2 submissions from 2 submitters: Uncertain significance (1); Likely benign (1). Last evaluated 2023-08-17.

Conditions:
Fleck corneal dystrophy (CFD). Also called: CORNEAL DYSTROPHY, FRANCOIS-NEETENS SPECKLED OR FLECKED. Identifiers: Orphanet 98970, MedGen C1562113, MONDO:0007376, OMIM 121850.

Allele frequency attached by ClinVar (database versions not stated): gnomAD 0.00003; gnomAD exomes 0.00003 and 0.00006; TOPMed 0.00005; ExAC 0.00007; ESP Exome Variant Server 0.00008.
gnomAD v4.1: 48 of 1,614,142 alleles (0.003%); highest among the groups gnomAD compares: East Asian, 0.013%; no homozygotes.

Submissions (2):

Labcorp Genetics (formerly Invitae), Labcorp
Classification: Uncertain significance. Last evaluated: 2023-08-17. Review status: criteria provided, single submitter. Criteria: Invitae Variant Classification Sherloc (09022015). Collection method: clinical testing. Allele origin: germline.
Comment: In summary, the available evidence is currently insufficient to determine the role of this variant in disease. Therefore, it has been classified as a Variant of Uncertain Significance. An algorithm developed to predict the effect of missense changes on protein structure and function (PolyPhen-2) suggests that this variant is likely to be disruptive. ClinVar contains an entry for this variant (Variation ID: 333895). This variant has not been reported in the literature in individuals affected with PIKFYVE-related conditions. This variant is present in population databases (rs377372888, gnomAD 0.02%). This sequence change replaces arginine, which is basic and polar, with glutamine, which is neutral and polar, at codon 649 of the PIKFYVE protein (p.Arg649Gln).

Illumina Laboratory Services, Illumina
Classification: Likely benign for Fleck corneal dystrophy. Last evaluated: 2018-01-13. Review status: criteria provided, single submitter. Criteria: ICSL Variant Classification Criteria 13 December 2019. Collection method: clinical testing. Allele origin: germline.
Comment: This variant was observed in the ICSL laboratory as part of a predisposition screen in an ostensibly healthy population. It had not been previously curated by ICSL or reported in the Human Gene Mutation Database (HGMD: prior to June 1st, 2018), and was therefore a candidate for classification through an automated scoring system. Utilizing variant allele frequency, disease prevalence and penetrance estimates, and inheritance mode, an automated score was calculated to assess if this variant is too frequent to cause the disease. Based on the score and internal cut-off values, a variant classified as likely benign is not then subjected to further curation. The score for this variant resulted in a classification of likely benign for this disease.

NM_015040.4(PIKFYVE):c.1946G>A (p.Arg649Gln)

Gene: PIKFYVE (phosphoinositide kinase, FYVE-type zinc finger containing; plus strand). Cytogenetic location: 2q34.
Variant type: single nucleotide variant.
Coding change: c.1946G>A on transcript NM_015040.4 (MANE Select); coding-DNA position 1946, G replaced by A.
Protein change: p.Arg649Gln; replaces arginine 649 with glutamine.
Molecular consequence: missense variant.
Genome position (GRCh38, 1-based): chr2:208,315,312, G>A. VCF-style: chr2-208315312-G-A. GRCh37 (hg19) VCF-style: chr2-209180036-G-A.
Other names: short protein forms R649Q.
Identifiers: ClinVar variation 333895 (VCV000333895.9), dbSNP rs377372888, ClinGen allele CA2079683.